The following is an entry in ClinVar:

ClinVar aggregate classification (germline): Uncertain significance (1 of 4 stars; one submission).

Submission:

Labcorp Genetics (formerly Invitae), Labcorp
Classification: Uncertain significance. Last evaluated: 2022-07-26. Review status: criteria provided, single submitter. Criteria: Invitae Variant Classification Sherloc (09022015). Collection method: clinical testing. Allele origin: germline.
Comment: In summary, the available evidence is currently insufficient to determine the role of this variant in disease. Therefore, it has been classified as a Variant of Uncertain Significance. Algorithms developed to predict the effect of missense changes on protein structure and function are either unavailable or do not agree on the potential impact of this missense change (SIFT: "Deleterious"; PolyPhen-2: "Not Available"; Align-GVGD: "Class C55"). ClinVar contains an entry for this variant (Variation ID: 1368507). This variant has not been reported in the literature in individuals affected with CDH23-related conditions. This variant is not present in population databases (gnomAD no frequency). This sequence change replaces threonine, which is neutral and polar, with serine, which is neutral and polar, at codon 423 of the CDH23 protein (p.Thr423Ser).

NM_022124.6(CDH23):c.1267A>T (p.Thr423Ser)

Gene: CDH23 (cadherin related 23; plus strand). Cytogenetic location: 10q22.1.
Variant type: single nucleotide variant.
Coding change: c.1267A>T on transcript NM_022124.6 (MANE Select); coding-DNA position 1267, A replaced by T.
Protein change: p.Thr423Ser; replaces threonine 423 with serine.
Molecular consequence: missense variant.
Genome position (GRCh38, 1-based): chr10:71,645,957, A>T. VCF-style: chr10-71645957-A-T. GRCh37 (hg19) VCF-style: chr10-73405714-A-T.
Other names: c.1267A>T, p.Thr423Ser (NM_001171930.2, NM_001171931.2, NM_052836.4); short protein forms T423S.
Identifiers: ClinVar variation 1368507 (VCV001368507.6), dbSNP rs2132595078, ClinGen allele CA377127834.